The following is an entry in ClinVar:

ClinVar aggregate classification (germline): Uncertain significance (1 of 4 stars; one submission).

Submission:

Labcorp Genetics (formerly Invitae), Labcorp
Classification: Uncertain significance. Last evaluated: 2022-07-15. Review status: criteria provided, single submitter. Criteria: Invitae Variant Classification Sherloc (09022015). Collection method: clinical testing. Allele origin: germline.
Comment: Algorithms developed to predict the effect of missense changes on protein structure and function are either unavailable or do not agree on the potential impact of this missense change (SIFT: "Tolerated"; PolyPhen-2: "Probably Damaging"; Align-GVGD: "Class C0"). This variant has not been reported in the literature in individuals affected with SNIP1-related conditions. This variant is not present in population databases (gnomAD no frequency). This sequence change replaces glutamine, which is neutral and polar, with proline, which is neutral and non-polar, at codon 31 of the SNIP1 protein (p.Gln31Pro). In summary, the available evidence is currently insufficient to determine the role of this variant in disease. Therefore, it has been classified as a Variant of Uncertain Significance.

NM_024700.4(SNIP1):c.92A>C (p.Gln31Pro)

Gene: SNIP1 (Smad nuclear interacting protein 1; minus strand). Cytogenetic location: 1p34.3.
Variant type: single nucleotide variant.
Coding change: c.92A>C on transcript NM_024700.4 (MANE Select); coding-DNA position 92, A replaced by C.
Protein change: p.Gln31Pro; replaces glutamine 31 with proline.
Molecular consequence: missense variant.
Genome position (GRCh38, 1-based): chr1:37,554,138, T>G on the plus strand (A>C on the coding strand, the complement: SNIP1 is on the minus strand). VCF-style: chr1-37554138-T-G. GRCh37 (hg19) VCF-style: chr1-38019739-T-G.
Other names: short protein forms Q31P.
Identifiers: ClinVar variation 2197271 (VCV002197271.4), dbSNP rs1570032663, ClinGen allele CA339430029.